The following is an entry in ClinVar:

ClinVar aggregate classification (germline): Likely benign (1 of 4 stars; one submission).

Submission:

GeneDx
Classification: Likely benign. Last evaluated: 2017-11-21. Review status: criteria provided, single submitter. Criteria: GeneDx Variant Classification (06012015). Collection method: clinical testing. Allele origin: germline. Affected: yes.
Comment: This variant is considered likely benign or benign based on one or more of the following criteria: it is a conservative change, it occurs at a poorly conserved position in the protein, it is predicted to be benign by multiple in silico algorithms, and/or has population frequency not consistent with disease.

NM_000626.4(CD79B):c.90A>G (p.Arg30=)

Genes: CD79B (CD79b molecule; minus strand), GH-LCR (growth hormone locus control region; plus strand). Cytogenetic location: 17q23.3.
Variant type: single nucleotide variant.
Coding change: c.90A>G on transcript NM_000626.4 (MANE Select); coding-DNA position 90, A replaced by G.
Protein change: p.Arg30=; no amino-acid change (arginine 30 retained).
Molecular consequence: synonymous variant.
Genome position (GRCh38, 1-based): chr17:63,931,363, T>C on the plus strand (A>G on the coding strand, the complement: CD79B is on the minus strand). VCF-style: chr17-63931363-T-C. GRCh37 (hg19) VCF-style: chr17-62008723-T-C.
Other names: c.93A>G, p.Arg31= (NM_001039933.3, NM_001329050.2); c.90A>G, p.Arg30= (NM_021602.4).
Identifiers: ClinVar variation 513622 (VCV000513622.1), dbSNP rs1555599174, ClinGen allele CA501213307.